The following is an entry in ClinVar:

ClinVar aggregate classification (germline): Uncertain significance (1 of 4 stars; one submission).

Submission:

CeGaT Center for Human Genetics Tuebingen
Classification: Uncertain significance. Last evaluated: 2024-04-01. Review status: criteria provided, single submitter. Criteria: CeGaT Center For Human Genetics Tuebingen Variant Classification Criteria Version 2. Collection method: clinical testing. Allele origin: germline. Affected: yes. Observed: 1 variant allele.
Comment: ZMIZ1: PM2, BP4

NM_020338.4(ZMIZ1):c.175-6T>A

Gene: ZMIZ1 (zinc finger MIZ-type containing 1; plus strand). Cytogenetic location: 10q22.3.
Variant type: single nucleotide variant.
Coding change: c.175-6T>A on transcript NM_020338.4 (MANE Select); 6 bases into the intron before coding-DNA position 175, T replaced by A.
Molecular consequence: intron variant.
Genome position (GRCh38, 1-based): chr10:79,216,163, T>A. VCF-style: chr10-79216163-T-A. GRCh37 (hg19) VCF-style: chr10-80975920-T-A.
Identifiers: ClinVar variation 3234604 (VCV003234604.20), dbSNP rs2493410203, ClinGen allele CA2825001706.